The following is an entry in ClinVar:

NM_020821.3(VPS13C):c.1106A>G (p.Asn369Ser)

Gene: VPS13C (vacuolar protein sorting 13 homolog C; minus strand). Cytogenetic location: 15q22.2.
Variant type: single nucleotide variant.
Coding change: c.1106A>G on transcript NM_020821.3 (MANE Select); coding-DNA position 1106, A replaced by G.
Protein change: p.Asn369Ser; replaces asparagine 369 with serine.
Molecular consequence: missense variant.
Genome position (GRCh38, 1-based): chr15:62,008,667, T>C on the plus strand (A>G on the coding strand, the complement: VPS13C is on the minus strand). VCF-style: chr15-62008667-T-C. GRCh37 (hg19) VCF-style: chr15-62300866-T-C.
Other names: c.1106A>G, p.Asn369Ser (NM_001018088.3); c.977A>G, p.Asn326Ser (NM_017684.5, NM_018080.4); short protein forms N369S, N326S.
Identifiers: ClinVar variation 1948558 (VCV001948558.5), dbSNP rs568244734, ClinGen allele CA7597218.

ClinVar aggregate classification (germline): Uncertain significance (1 of 4 stars; one submission).

Allele frequency attached by ClinVar (database versions not stated): gnomAD exomes 0.00002; TOPMed 0.00002; gnomAD 0.00004; ExAC 0.00006; 1000 Genomes Project 30x 0.00031; 1000 Genomes Project 0.00040.
gnomAD v4.1: 39 of 1,599,196 alleles (0.0024%); highest among the groups gnomAD compares: South Asian, 0.016%; no homozygotes.

Submission:

Labcorp Genetics (formerly Invitae), Labcorp
Classification: Uncertain significance. Last evaluated: 2022-05-22. Review status: criteria provided, single submitter. Criteria: Invitae Variant Classification Sherloc (09022015). Collection method: clinical testing. Allele origin: germline.
Comment: In summary, the available evidence is currently insufficient to determine the role of this variant in disease. Therefore, it has been classified as a Variant of Uncertain Significance. Algorithms developed to predict the effect of missense changes on protein structure and function are either unavailable or do not agree on the potential impact of this missense change (SIFT: "Tolerated"; PolyPhen-2: "Possibly Damaging"; Align-GVGD: "Class C0"). This variant has not been reported in the literature in individuals affected with VPS13C-related conditions. This variant is present in population databases (rs568244734, gnomAD 0.03%). This sequence change replaces asparagine, which is neutral and polar, with serine, which is neutral and polar, at codon 369 of the VPS13C protein (p.Asn369Ser).